The following is an entry in ClinVar:

NM_001042492.3(NF1):c.1549G>A (p.Glu517Lys)

Gene: NF1 (neurofibromin 1; plus strand). Cytogenetic location: 17q11.2.
Variant type: single nucleotide variant.
Coding change: c.1549G>A on transcript NM_001042492.3 (MANE Select); coding-DNA position 1549, G replaced by A.
Protein change: p.Glu517Lys; replaces glutamic acid 517 with lysine.
Molecular consequence: missense variant.
Genome position (GRCh38, 1-based): chr17:31,219,026, G>A. VCF-style: chr17-31219026-G-A. GRCh37 (hg19) VCF-style: chr17-29546044-G-A.
Other names: c.1549G>A, p.Glu517Lys (NM_001128147.3, NM_000267.4); short protein forms E517K.
Identifiers: ClinVar variation 134879 (VCV000134879.15), dbSNP rs587778548, ClinGen allele CA161005.

ClinVar aggregate classification (germline): Conflicting classifications of pathogenicity. Review status: criteria provided, conflicting classifications (1 of 4 stars). 8 submissions from 7 submitters: Uncertain significance (6); Likely benign (1). 1 of the submissions does not count toward it. Last evaluated 2025-12-22.

Conditions:
Hereditary cancer-predisposing syndrome. Also called: Tumor predisposition; Hereditary neoplastic syndrome; Neoplastic Syndromes, Hereditary; Hereditary Cancer Syndrome. Identifiers: Orphanet 140162, MedGen C0027672, MeSH D009386, MONDO:0015356.
Cardiovascular phenotype. Identifiers: MedGen CN230736.
Neurofibromatosis, familial spinal (FSNF). Identifiers: Orphanet 636, MedGen C1834235, MONDO:0008078, OMIM 162210. Disease mechanism: loss of function.
Juvenile myelomonocytic leukemia (JMML). Also called: LEUKEMIA, JUVENILE MYELOMONOCYTIC, SOMATIC. Identifiers: Orphanet 86834, MedGen C0349639, MONDO:0011908, OMIM 607785, HP:0012209.
Neurofibromatosis, type 1 (NF1). Also called: NEUROFIBROMATOSIS, TYPE I, SOMATIC; Peripheral type neurofibromatosis; Neurofibromatosis, type I; VON RECKLINGHAUSEN DISEASE. Identifiers: Orphanet 636, MedGen C0027831, MONDO:0018975, OMIM 162200. Disease mechanism: loss of function.
Neurofibromatosis-Noonan syndrome (NFNS). Also called: NEUROFIBROMATOSIS WITH NOONAN PHENOTYPE. Identifiers: Orphanet 638, MedGen C2931482, MONDO:0011035, OMIM 601321. Disease mechanism: loss of function.
Café-au-lait macules with pulmonary stenosis (WTSN). Also called: PULMONIC STENOSIS WITH CAFE-AU-LAIT SPOTS. Identifiers: MedGen C0553586, MONDO:0008672, OMIM 193520.

Allele frequency attached by ClinVar (database versions not stated): TOPMed below 0.00001; ExAC 0.00001; gnomAD 0.00001; gnomAD exomes 0.00001.
gnomAD v4.1: 9 of 1,613,116 alleles (0.00056%); highest among the groups gnomAD compares: South Asian, 0.0011%; no homozygotes.

Submissions (8):

Labcorp Genetics (formerly Invitae), Labcorp
Classification: Likely benign for Neurofibromatosis, type 1. Last evaluated: 2025-12-22. Review status: criteria provided, single submitter. Criteria: Invitae Variant Classification Sherloc (09022015). Collection method: clinical testing. Allele origin: germline.

Fulgent Genetics
Classification: Uncertain significance for Neurofibromatosis, type 1; Neurofibromatosis, familial spinal; Café-au-lait macules with pulmonary stenosis; Neurofibromatosis-Noonan syndrome; Juvenile myelomonocytic leukemia. Last evaluated: 2024-02-24. Review status: criteria provided, single submitter. Criteria: ACMG Guidelines, 2015. Collection method: clinical testing. Allele origin: germline.

GeneDx
Classification: Uncertain significance. Last evaluated: 2023-06-16. Review status: criteria provided, single submitter. Criteria: GeneDx Variant Classification Process June 2021. Collection method: clinical testing. Allele origin: germline. Affected: yes.
Comment: In silico analysis supports that this missense variant has a deleterious effect on protein structure/function; Identified in at least one healthy individual undergoing whole genome sequencing (Bodian et al., 2014); This variant is associated with the following publications: (PMID: 27994516, 24728327)

Ambry Genetics
Classification: Uncertain significance for Cardiovascular phenotype; Hereditary cancer-predisposing syndrome. Last evaluated: 2022-05-10. Review status: criteria provided, single submitter. Criteria: Ambry Variant Classification Scheme 2023. Collection method: clinical testing. Allele origin: germline.

Genome-Nilou Lab
Classification: Uncertain significance for Neurofibromatosis, type 1. Last evaluated: 2022-03-15. Review status: criteria provided, single submitter. Criteria: ACMG Guidelines, 2015. Collection method: clinical testing. Allele origin: germline. Affected: no.

Women's Health and Genetics/Laboratory Corporation of America, LabCorp
Classification: Uncertain significance. Last evaluated: 2019-03-13. Review status: criteria provided, single submitter. Criteria: LabCorp Variant Classification Summary - May 2015. Collection method: clinical testing. Allele origin: germline.
Comment: Variant summary: NF1 c.1549G>A (p.Glu517Lys) results in a conservative amino acid change in the encoded protein sequence. Three of five in-silico tools predict a benign effect of the variant on protein function. The variant allele was found at a frequency of 8.2e-06 in 245372 control chromosomes (gnomAD). The available data on variant occurrences in the general population are insufficient to allow any conclusion about variant significance. To our knowledge, no occurrence of c.1549G>A in individuals affected with Neurofibromatosis Type 1 and no experimental evidence demonstrating its impact on protein function have been reported. Three clinical diagnostic laboratories have submitted clinical-significance assessments for this variant to ClinVar after 2014 without evidence for independent evaluation. All laboratories classified the variant as uncertain significance. Based on the evidence outlined above, the variant was classified as uncertain significance.

Ambry Genetics
Classification: Uncertain significance for Hereditary cancer-predisposing syndrome. Last evaluated: 2016-01-09. Review status: criteria provided, single submitter. Criteria: Ambry Autosomal Dominant and X-Linked criteria (10/2015). Collection method: clinical testing. Allele origin: germline. Observed: 1 variant allele.
Comment: The p.E517K variant (also known as c.1549G>A), located in coding exon 14 of the NF1 gene, results from a G to A substitution at nucleotide position 1549. The glutamic acid at codon 517 is replaced by lysine, an amino acid with similar properties. This variant was not reported in population based cohorts in the following databases: Database of Single Nucleotide Polymorphisms (dbSNP), NHLBI Exome Sequencing Project (ESP), and 1000 Genomes Project.To date, this alteration has been detected with an allele frequency of approximately 0.004% (greater than 110000 alleles tested) in our clinical cohort.This amino acid position is highly conserved in available vertebrate species. In addition, the in silico prediction for this alteration is inconclusive.Since supporting evidence is limited at this time, the clinical significance ofp.E517Kremains unclear.

ITMI
No classification provided. Condition: AllHighlyPenetrant. Last evaluated: 2013-09-19. Review status: no classification provided. Collection method: reference population. Allele origin: germline. Not counted in ClinVar's aggregate classification.
Comment: Please see associated publication for description of ethnicities

Literature cited by the submitters: PubMed 24728327 (cited by ITMI).